The following is an entry in ClinVar:

ClinVar aggregate classification (germline): Likely benign (1 of 4 stars; one submission).

Allele frequency attached by ClinVar (database versions not stated): 1000 Genomes Project 0.00739; 1000 Genomes Project 30x 0.00859; gnomAD 0.00859 and 0.00920; TOPMed 0.00961.
gnomAD v4.1: 1,295 of 152,364 alleles (0.85%); highest among the groups gnomAD compares: African/African-American, 2.9%; 23 homozygotes.

Submission:

GeneDx
Classification: Likely benign. Last evaluated: 2018-06-14. Review status: criteria provided, single submitter. Criteria: GeneDx Variant Classification (06012015). Collection method: clinical testing. Allele origin: germline. Affected: yes.
Comment: This variant is considered likely benign or benign based on one or more of the following criteria: it is a conservative change, it occurs at a poorly conserved position in the protein, it is predicted to be benign by multiple in silico algorithms, and/or has population frequency not consistent with disease.

NM_000093.5(COL5A1):c.4123-303C>A

Gene: COL5A1 (collagen type V alpha 1 chain; plus strand). Cytogenetic location: 9q34.3.
Variant type: single nucleotide variant.
Coding change: c.4123-303C>A on transcript NM_000093.5 (MANE Select); 303 bases into the intron before coding-DNA position 4123, C replaced by A.
Molecular consequence: intron variant.
Genome position (GRCh38, 1-based): chr9:134,816,723, C>A. VCF-style: chr9-134816723-C-A. GRCh37 (hg19) VCF-style: chr9-137708569-C-A.
Other names: c.4123-303C>A (NM_001278074.1).
Identifiers: ClinVar variation 672866 (VCV000672866.1), dbSNP rs116404572, ClinGen allele CA201091651.